The following is an entry in ClinVar:

NM_000814.6(GABRB3):c.1099A>G (p.Ile367Val)

Gene: GABRB3 (gamma-aminobutyric acid type A receptor subunit beta3; minus strand). Cytogenetic location: 15q12.
Variant type: single nucleotide variant.
Coding change: c.1099A>G on transcript NM_000814.6 (MANE Select); coding-DNA position 1099, A replaced by G.
Protein change: p.Ile367Val; replaces isoleucine 367 with valine.
Molecular consequence: missense variant.
Genome position (GRCh38, 1-based): chr15:26,548,116, T>C on the plus strand (A>G on the coding strand, the complement: GABRB3 is on the minus strand). VCF-style: chr15-26548116-T-C. GRCh37 (hg19) VCF-style: chr15-26793263-T-C.
Other names: c.844A>G, p.Ile282Val (NM_001191320.2, NM_001278631.2); c.886A>G, p.Ile296Val (NM_001191321.3); c.1099A>G, p.Ile367Val (NM_021912.5); short protein forms I282V, I296V, I367V.
Identifiers: ClinVar variation 1714326 (VCV001714326.5), dbSNP rs2504115387, ClinGen allele CA391459425.
Genomic context (GRCh38, chr15:26,548,116, plus strand): 5'-CGCCAATGCCGCCTGAGACCTCATTCATTTCATTGTGAACTTCCAGCGATGTCAACAGAA[T>C]ATTTCCATGAGCATCCACCTAATTGGACGGAAAATGCACATGGTTAGACAGCCAGCAGCA-3'
Protein context (NP_000805.1, residues 357-377): ESNRVDAHGN[Ile367Val]LLTSLEVHNE

ClinVar aggregate classification (germline): Uncertain significance (1 of 4 stars; one submission).

Conditions:
Epilepsy, childhood absence, susceptibility to, 5. Identifiers: Orphanet 64280, MedGen C2677087, MONDO:0012843, OMIM 612269.
Epilepsy, childhood absence, susceptibility to, 1. Also called: Epilepsy, childhood absence 1. Identifiers: Orphanet 64280, MedGen C1838604, MONDO:0020759, OMIM 600131.

Allele frequency attached by ClinVar (database versions not stated): gnomAD exomes below 0.00001.
gnomAD v4.1: 3 of 1,614,148 alleles (0.00019%); highest among the groups gnomAD compares: Non-Finnish European, 0.00025%; no homozygotes.

Submission:

Labcorp Genetics (formerly Invitae), Labcorp
Classification: Uncertain significance for Epilepsy, childhood absence, susceptibility to, 5; Epilepsy, childhood absence, susceptibility to, 1. Last evaluated: 2022-10-07. Review status: criteria provided, single submitter. Criteria: Invitae Variant Classification Sherloc (09022015). Collection method: clinical testing. Allele origin: germline.
Comment: This sequence change replaces isoleucine, which is neutral and non-polar, with valine, which is neutral and non-polar, at codon 367 of the GABRB3 protein (p.Ile367Val). This variant is not present in population databases (gnomAD no frequency). This variant has not been reported in the literature in individuals affected with GABRB3-related conditions. Advanced modeling of protein sequence and biophysical properties (such as structural, functional, and spatial information, amino acid conservation, physicochemical variation, residue mobility, and thermodynamic stability) performed at Invitae indicates that this missense variant is not expected to disrupt GABRB3 protein function. In summary, the available evidence is currently insufficient to determine the role of this variant in disease. Therefore, it has been classified as a Variant of Uncertain Significance.